The following is an entry in ClinVar:

NM_198994.3(TGM6):c.952G>A (p.Gly318Arg)

Gene: TGM6 (transglutaminase 6; plus strand). Cytogenetic location: 20p13.
Variant type: single nucleotide variant.
Coding change: c.952G>A on transcript NM_198994.3 (MANE Select); coding-DNA position 952, G replaced by A.
Protein change: p.Gly318Arg; replaces glycine 318 with arginine.
Molecular consequence: missense variant.
Genome position (GRCh38, 1-based): chr20:2,400,407, G>A. VCF-style: chr20-2400407-G-A. GRCh37 (hg19) VCF-style: chr20-2381053-G-A.
Other names: c.952G>A (NM_198994.2); c.952G>A, p.Gly318Arg (NM_001254734.2); short protein forms G318R.
Identifiers: ClinVar variation 2918050 (VCV002918050.4), dbSNP rs1398536103, ClinGen allele CA408011746.

ClinVar aggregate classification (germline): Uncertain significance. Review status: criteria provided, multiple submitters, no conflicts (2 of 4 stars). 2 submissions from 2 submitters: Uncertain significance (2). Last evaluated 2024-10-29.

Conditions:
Inborn genetic diseases. Identifiers: MedGen C0950123, MeSH D030342.

Allele frequency attached by ClinVar (database versions not stated): TOPMed below 0.00001.
gnomAD v4.1: 4 of 1,614,126 alleles (0.00025%); highest among the groups gnomAD compares: Admixed American, 0.0033%; no homozygotes.

Submissions (2):

Ambry Genetics
Classification: Uncertain significance for Inborn genetic diseases. Last evaluated: 2024-10-29. Review status: criteria provided, single submitter. Criteria: Ambry Variant Classification Scheme 2023. Collection method: clinical testing. Allele origin: germline.

Labcorp Genetics (formerly Invitae), Labcorp
Classification: Uncertain significance. Last evaluated: 2024-02-07. Review status: criteria provided, single submitter. Criteria: Invitae Variant Classification Sherloc (09022015). Collection method: clinical testing. Allele origin: germline.
Comment: This sequence change replaces glycine, which is neutral and non-polar, with arginine, which is basic and polar, at codon 318 of the TGM6 protein (p.Gly318Arg). This variant is present in population databases (no rsID available, gnomAD 0.003%). This variant has not been reported in the literature in individuals affected with TGM6-related conditions. Advanced modeling of protein sequence and biophysical properties (such as structural, functional, and spatial information, amino acid conservation, physicochemical variation, residue mobility, and thermodynamic stability) performed at Invitae indicates that this missense variant is expected to disrupt TGM6 protein function with a positive predictive value of 80%. In summary, the available evidence is currently insufficient to determine the role of this variant in disease. Therefore, it has been classified as a Variant of Uncertain Significance.